The following is an entry in ClinVar:

ClinVar aggregate classification (germline): Likely benign. Review status: reviewed by expert panel (3 of 4 stars). 3 submissions from 3 submitters: Likely benign (1). 2 of the submissions do not count toward it. Last evaluated 2017-06-29.

Conditions:
Hereditary breast ovarian cancer syndrome. Also called: Hereditary breast and ovarian cancer syndrome (HBOC); BRCA1- and BRCA2-Associated Hereditary Breast and Ovarian Cancer; Hereditary breast and/or ovarian cancer syndrome; Hereditary breast and ovarian cancer syndrome; Hereditary breast and ovarian cancer; Breast and ovarian cancer. Identifiers: Orphanet 145, MedGen C0677776, MeSH D061325, MONDO:0003582. Disease mechanism: loss of function.
Hereditary cancer-predisposing syndrome. Also called: Neoplastic Syndromes, Hereditary; Hereditary neoplastic syndrome; Tumor predisposition; Hereditary Cancer Syndrome. Identifiers: Orphanet 140162, MedGen C0027672, MeSH D009386, MONDO:0015356.
Breast-ovarian cancer, familial, susceptibility to, 1 (BROVCA1). Also called: BRCA1 Hereditary Breast and Ovarian Cancer; OVARIAN CANCER, SUSCEPTIBILITY TO. Identifiers: Orphanet 145, MedGen C2676676, MONDO:0011450, OMIM 604370. Disease mechanism: loss of function.

Allele frequency attached by ClinVar (database versions not stated): ExAC 0.00002.
gnomAD v4.1: 7 of 1,614,130 alleles (0.00043%); highest among the groups gnomAD compares: South Asian, 0.0077%; no homozygotes.

Submissions (3):

Evidence-based Network for the Interpretation of Germline Mutant Alleles (ENIGMA)
Classification: Likely benign for Breast-ovarian cancer, familial, susceptibility to, 1. Last evaluated: 2017-06-29. Review status: reviewed by expert panel. Criteria: ENIGMA BRCA1/2 Classification Criteria (2017-06-29). Collection method: curation. Allele origin: germline.
Comment: Synonymous substitution variant, with low bioinformatic likelihood to result in a splicing aberration (Splicing prior probability 0.02).

Labcorp Genetics (formerly Invitae), Labcorp
Classification: Likely benign for Hereditary breast ovarian cancer syndrome. Last evaluated: 2025-09-23. Review status: criteria provided, single submitter. Criteria: Invitae Variant Classification Sherloc (09022015). Collection method: clinical testing. Allele origin: germline. Not counted in ClinVar's aggregate classification.

Color Diagnostics, LLC DBA Color Health
Classification: Likely benign for Hereditary cancer-predisposing syndrome. Last evaluated: 2022-04-22. Review status: criteria provided, single submitter. Criteria: ACMG Guidelines, 2015. Collection method: clinical testing. Allele origin: germline. Not counted in ClinVar's aggregate classification.

NM_007294.4(BRCA1):c.3642G>A (p.Glu1214=)

Genes: BRCA1 (BRCA1 DNA repair associated; minus strand), LOC126862571 (BRD4-independent group 4 enhancer GRCh37_chr17:41243136-41244335; plus strand). Cytogenetic location: 17q21.31.
Variant type: single nucleotide variant.
Coding change: c.3642G>A on transcript NM_007294.4 (MANE Select); coding-DNA position 3642, G replaced by A.
Protein change: p.Glu1214=; no amino-acid change (glutamic acid 1214 retained).
Molecular consequence: synonymous variant. On other transcripts: intron variant (135).
Genome position (GRCh38, 1-based): chr17:43,091,889, C>T on the plus strand (G>A on the coding strand, the complement: BRCA1 is on the minus strand). VCF-style: chr17-43091889-C-T. GRCh37 (hg19) VCF-style: chr17-41243906-C-T.
Other names: c.3375G>A, p.Glu1125= (NM_001407932.1, NM_001407934.1, NM_001407936.1 and 2 more transcripts); c.3378G>A, p.Glu1126= (NM_001407933.1, NM_001407935.1, NM_001407920.1 and 9 more transcripts); c.3519G>A, p.Glu1173= (NM_001407937.1, NM_001407938.1, NM_001407939.1 and 19 more transcripts); c.3516G>A, p.Glu1172= (NM_001407940.1, NM_001407941.1, NM_001407649.1 and 11 more transcripts); c.3501G>A, p.Glu1167= (NM_001407942.1, NM_001407944.1, NM_001407945.1 and 29 more transcripts); c.3498G>A, p.Glu1166= (NM_001407943.1, NM_001407964.1, NM_001407740.1 and 20 more transcripts); c.3309G>A, p.Glu1103= (NM_001407946.1, NM_001407947.1, NM_001407948.1 and 6 more transcripts); c.3306G>A, p.Glu1102= (NM_001407954.1, NM_001407955.1, NM_001407956.1 and 1 more transcripts); and 41 more.
Identifiers: ClinVar variation 427302 (VCV000427302.7), dbSNP rs398122675, ClinGen allele CA059324.
Genomic context (GRCh38, chr17:43,091,889, plus strand): 5'-TACTTTACCAAATAACAAGTGTTGGAAGCAGGGAAGCTCTTCATCCTCACTAGATAAGTT[C>T]TCTTCTGAGGACTCTAATTTCTTGGCCCCTCTTCGGTAACCCTGAGCCAAATGTGTATGG-3'
Protein context (NP_009225.1, residues 1204-1224): RGAKKLESSE[Glu1214=]NLSSEDEELP